The following is an entry in ClinVar:

ClinVar aggregate classification (germline): Uncertain significance. Review status: criteria provided, multiple submitters, no conflicts (2 of 4 stars). 2 submissions from 2 submitters: Uncertain significance (2). Last evaluated 2024-02-15.

gnomAD v4.1: 1 of 1,614,136 alleles (0.000062%); highest among the groups gnomAD compares: Non-Finnish European, 0.000085%; no homozygotes.

Submissions (2):

Blueprint Genetics
Classification: Uncertain significance. Last evaluated: 2024-02-15. Review status: criteria provided, single submitter. Criteria: ACMG Guidelines, 2015. Collection method: clinical testing. Allele origin: germline.

GeneDx
Classification: Uncertain significance. Last evaluated: 2024-01-10. Review status: criteria provided, single submitter. Criteria: GeneDx Variant Classification Process June 2021. Collection method: clinical testing. Allele origin: germline. Affected: yes.
Comment: In silico analysis supports that this missense variant does not alter protein structure/function; Has not been previously published as pathogenic or benign to our knowledge

NM_001127644.2(GABRA1):c.1097A>G (p.Asn366Ser)

Gene: GABRA1 (gamma-aminobutyric acid type A receptor subunit alpha1; plus strand). Cytogenetic location: 5q34.
Variant type: single nucleotide variant.
Coding change: c.1097A>G on transcript NM_001127644.2 (MANE Select); coding-DNA position 1097, A replaced by G.
Protein change: p.Asn366Ser; replaces asparagine 366 with serine.
Molecular consequence: missense variant.
Genome position (GRCh38, 1-based): chr5:161,897,148, A>G. VCF-style: chr5-161897148-A-G. GRCh37 (hg19) VCF-style: chr5-161324154-A-G.
Other names: c.1097A>G, p.Asn366Ser (NM_000806.5, NM_001127643.2, NM_001127645.2 and 1 more transcripts); short protein forms N366S.
Identifiers: ClinVar variation 3338759 (VCV003338759.2).